The following is an entry in ClinVar:

NM_001384140.1(PCDH15):c.3606del (p.Ile1204fs)

Gene: PCDH15 (protocadherin related 15; minus strand). Cytogenetic location: 10q21.1.
Variant type: Deletion.
Coding change: c.3606del on transcript NM_001384140.1 (MANE Select); coding-DNA position 3606, one base deleted (G; older notation c.3606delG).
Protein change: p.Ile1204fs; shifts the reading frame from isoleucine 1204.
Molecular consequence: frameshift variant.
Genome position (GRCh38, 1-based): chr10:53,866,753, C deleted on the plus strand (G on the coding strand, the reverse complement: PCDH15 is on the minus strand); the first of 3 consecutive C bases (chr10:53,866,753-53,866,755); deleting any one gives the same sequence. VCF-style (leftmost placement, unchanged base first): chr10-53866752-GC-G. GRCh37 (hg19) VCF-style: chr10-55626512-GC-G.
Other names: c.3621del, p.Ile1209fs (NM_001142763.2, NM_001142771.2); c.3606del, p.Ile1204fs (NM_001142764.2, NM_001142766.2, NM_001142770.3 and 4 more transcripts); c.3393del, p.Ile1133fs (NM_001142765.2); c.3495del, p.Ile1167fs (NM_001142767.2); c.3540del, p.Ile1182fs (NM_001142768.2, NM_001142773.2, NM_001354404.2); c.3640delG, p.Ile1216Serfs (NM_001142769.4); c.3627del, p.Ile1211fs (NM_001354411.2); short protein forms I1167fs, I1204fs, I1133fs, I1182fs, I1209fs, I1216fs, I1211fs.
Identifiers: ClinVar variation 2035767 (VCV002035767.5), dbSNP rs2493336379, ClinGen allele CA2580081612.

ClinVar aggregate classification (germline): Pathogenic/Likely pathogenic. Review status: criteria provided, multiple submitters, no conflicts (2 of 4 stars). 2 submissions from 2 submitters: Pathogenic (1); Likely pathogenic (1). Last evaluated 2023-02-27.

Conditions:
Autosomal recessive nonsyndromic hearing loss 23. Identifiers: Orphanet 90636, MedGen C1836027, MONDO:0012293, OMIM 609533.

Submissions (2):

Baylor Genetics
Classification: Likely pathogenic for Autosomal recessive nonsyndromic hearing loss 23. Last evaluated: 2023-02-27. Review status: criteria provided, single submitter. Criteria: ACMG Guidelines, 2015. Collection method: clinical testing. Allele origin: unknown.

Labcorp Genetics (formerly Invitae), Labcorp
Classification: Pathogenic. Last evaluated: 2022-10-16. Review status: criteria provided, single submitter. Criteria: Invitae Variant Classification Sherloc (09022015). Collection method: clinical testing. Allele origin: germline.
Comment: For these reasons, this variant has been classified as Pathogenic. This sequence change creates a premature translational stop signal (p.Ile1204Serfs*10) in the PCDH15 gene. It is expected to result in an absent or disrupted protein product. Loss-of-function variants in PCDH15 are known to be pathogenic (PMID: 11398101, 11487575, 14570705). This variant is not present in population databases (gnomAD no frequency). This variant has not been reported in the literature in individuals affected with PCDH15-related conditions.

Literature cited by the submitters: PubMed 11398101 (cited by Labcorp Genetics (formerly Invitae), Labcorp); PubMed 11487575 (cited by Labcorp Genetics (formerly Invitae), Labcorp); PubMed 14570705 (cited by Labcorp Genetics (formerly Invitae), Labcorp).